The following is an entry in ClinVar:

NM_002439.5(MSH3):c.2084A>C (p.Lys695Thr)

Gene: MSH3 (mutS homolog 3; plus strand). Cytogenetic location: 5q14.1.
Variant type: single nucleotide variant.
Coding change: c.2084A>C on transcript NM_002439.5 (MANE Select); coding-DNA position 2084, A replaced by C.
Protein change: p.Lys695Thr; replaces lysine 695 with threonine.
Molecular consequence: missense variant.
Genome position (GRCh38, 1-based): chr5:80,768,120, A>C. VCF-style: chr5-80768120-A-C. GRCh37 (hg19) VCF-style: chr5-80063939-A-C.
Other names: short protein forms K695T.
Identifiers: ClinVar variation 4750371 (VCV004750371.1).

ClinVar aggregate classification (germline): Uncertain significance (1 of 4 stars; one submission).

Submission:

Labcorp Genetics (formerly Invitae), Labcorp
Classification: Uncertain significance. Last evaluated: 2025-05-28. Review status: criteria provided, single submitter. Criteria: Invitae Variant Classification Sherloc (09022015). Collection method: clinical testing. Allele origin: germline.
Comment: This sequence change replaces lysine, which is basic and polar, with threonine, which is neutral and polar, at codon 695 of the MSH3 protein (p.Lys695Thr). This variant is not present in population databases (gnomAD no frequency). This variant has not been reported in the literature in individuals affected with MSH3-related conditions. An algorithm developed to predict the effect of missense changes on protein structure and function (PolyPhen-2) suggests that this variant is likely to be disruptive. In summary, the available evidence is currently insufficient to determine the role of this variant in disease. Therefore, it has been classified as a Variant of Uncertain Significance.